The following is an entry in ClinVar:

NM_000377.3(WAS):c.803G>C (p.Arg268Pro)

Gene: WAS (WASP actin nucleation promoting factor; plus strand). Cytogenetic location: Xp11.23.
Variant type: single nucleotide variant.
Coding change: c.803G>C on transcript NM_000377.3 (MANE Select); coding-DNA position 803, G replaced by C.
Protein change: p.Arg268Pro; replaces arginine 268 with proline.
Molecular consequence: missense variant.
Genome position (GRCh38, 1-based): chrX:48,688,325, G>C. VCF-style: chrX-48688325-G-C. GRCh37 (hg19) VCF-style: chrX-48546714-G-C.
Other names: short protein forms R268P.
Identifiers: ClinVar variation 1720842 (VCV001720842.5), dbSNP rs376560886, ClinGen allele CA412872203.

ClinVar aggregate classification (germline): Uncertain significance. Review status: criteria provided, multiple submitters, no conflicts (2 of 4 stars). 2 submissions from 2 submitters: Uncertain significance (2). Last evaluated 2024-01-01.

Conditions:
Thrombocytopenia 1. Also called: X-linked thrombocytopenia with normal platelets; X-Linked Thrombocytopenia (XLT); THROMBOCYTOPENIA, X-LINKED, 1. Identifiers: Orphanet 268322, Orphanet 852, MedGen C1839163, MONDO:0010743, OMIM 313900.
X-linked severe congenital neutropenia (SCNX). Identifiers: Orphanet 86788, MedGen C1845987, MONDO:0010294, OMIM 300299.
Wiskott-Aldrich syndrome (WAS). Also called: ALDRICH SYNDROME; IMMUNODEFICIENCY 2; WISKOTT-ALDRICH SYNDROME 1; Wiskott-aldrich syndrome, somatic. Identifiers: Orphanet 906, MedGen C0043194, MONDO:0010518, OMIM 301000.
WAS-related disorder. Also called: WAS-related condition; WAS-Related Disorders. Identifiers: MedGen CN381538.

Submissions (2):

Daryl Scott Lab, Baylor College of Medicine
Classification: Uncertain significance for WAS-related disorder. Last evaluated: 2024-01-01. Review status: criteria provided, single submitter. Criteria: ACMG Guidelines, 2015. Collection method: clinical testing. Allele origin: paternal. Affected: yes. Observed: 1 heterozygote.
Comment: PM2

Labcorp Genetics (formerly Invitae), Labcorp
Classification: Uncertain significance for Wiskott-Aldrich syndrome; X-linked severe congenital neutropenia; Thrombocytopenia 1. Last evaluated: 2022-11-08. Review status: criteria provided, single submitter. Criteria: Invitae Variant Classification Sherloc (09022015). Collection method: clinical testing. Allele origin: germline.
Comment: This sequence change replaces arginine, which is basic and polar, with proline, which is neutral and non-polar, at codon 268 of the WAS protein (p.Arg268Pro). This variant is not present in population databases (gnomAD no frequency). This variant has not been reported in the literature in individuals affected with WAS-related conditions. Advanced modeling of protein sequence and biophysical properties (such as structural, functional, and spatial information, amino acid conservation, physicochemical variation, residue mobility, and thermodynamic stability) performed at Invitae indicates that this missense variant is expected to disrupt WAS protein function. In summary, the available evidence is currently insufficient to determine the role of this variant in disease. Therefore, it has been classified as a Variant of Uncertain Significance.